The following is an entry in ClinVar:

ClinVar aggregate classification (germline): Uncertain significance (1 of 4 stars; one submission).

Conditions:
Hereditary cancer-predisposing syndrome. Also called: Neoplastic Syndromes, Hereditary; Tumor predisposition; Hereditary Cancer Syndrome; Hereditary neoplastic syndrome. Identifiers: Orphanet 140162, MedGen C0027672, MeSH D009386, MONDO:0015356.

Submission:

Ambry Genetics
Classification: Uncertain significance for Hereditary cancer-predisposing syndrome. Last evaluated: 2020-10-08. Review status: criteria provided, single submitter. Criteria: Ambry Variant Classification Scheme 2023. Collection method: clinical testing. Allele origin: germline.
Comment: The c.1062_1067delAAATGT variant (also known as p.N355_V356del) is located in coding exon 7 of the MSH3 gene. This variant results from an in-frame AAATGT deletion at nucleotide positions 1062 to 1067. This results in the in-frame deletion of two amino acids (NV) at codons 355 and 356. This amino acid region is not well conserved in available vertebrate species. Since supporting evidence is limited at this time, the clinical significance of this alteration remains unclear.

NM_002439.5(MSH3):c.1062_1067del (p.Asn355_Val356del)

Gene: MSH3 (mutS homolog 3; plus strand). Cytogenetic location: 5q14.1.
Variant type: Deletion.
Coding change: c.1062_1067del on transcript NM_002439.5 (MANE Select); coding-DNA positions 1062 to 1067, 6 bases deleted (AAATGT; older notation c.1062_1067delAAATGT).
Protein change: p.Asn355_Val356del.
Molecular consequence: inframe deletion.
Genome position (GRCh38, 1-based): chr5:80,675,017-80,675,022, AAATGT deleted; deleting any 6 consecutive bases within chr5:80,675,014-80,675,022 gives the same sequence; the c. name uses the placement nearest the transcript's 3' end. VCF-style (leftmost placement, unchanged base first): chr5-80675013-CTGTAAA-C. GRCh37 (hg19) VCF-style: chr5-79970832-CTGTAAA-C.
Identifiers: ClinVar variation 1780470 (VCV001780470.2), dbSNP rs2546724251, ClinGen allele CA2580073614.